The following is an entry in ClinVar:

ClinVar aggregate classification (germline): Uncertain significance (1 of 4 stars; one submission).

Submission:

GeneDx
Classification: Uncertain significance. Last evaluated: 2026-03-11. Review status: criteria provided, single submitter. Criteria: GeneDx Variant Classification Process June 2021. Collection method: clinical testing. Allele origin: germline.
Comment: Not observed at significant frequency in large population cohorts (gnomAD); Has not been previously published as pathogenic or benign to our knowledge; Frameshift variant predicted to result in protein truncation or nonsense mediated decay in a gene for which loss of function is not an established mechanism of disease

NM_001129820.2(SLFN14):c.607_611del (p.Asn203fs)

Gene: SLFN14 (schlafen family member 14; minus strand). Cytogenetic location: 17q12.
Variant type: Deletion.
Coding change: c.607_611del on transcript NM_001129820.2 (MANE Select); coding-DNA positions 607 to 611, 5 bases deleted (AACTT; older notation c.607_611delAACTT).
Protein change: p.Asn203fs; shifts the reading frame from asparagine 203.
Molecular consequence: frameshift variant.
Genome position (GRCh38, 1-based): chr17:35,557,452-35,557,456, AAGTT deleted on the plus strand (AACTT on the coding strand, the reverse complement: SLFN14 is on the minus strand). VCF-style (leftmost placement, unchanged base first): chr17-35557451-AAAGTT-A. GRCh37 (hg19) VCF-style: chr17-33884470-AAAGTT-A.
Other names: short protein forms N203fs.
Identifiers: ClinVar variation 5008655 (VCV005008655.1).